The following is an entry in ClinVar:

NM_001365951.3(KIF1B):c.2569G>A (p.Asp857Asn)

Gene: KIF1B (kinesin family member 1B; plus strand). Cytogenetic location: 1p36.22.
Variant type: single nucleotide variant.
Coding change: c.2569G>A on transcript NM_001365951.3 (MANE Select); coding-DNA position 2569, G replaced by A.
Protein change: p.Asp857Asn; replaces aspartic acid 857 with asparagine.
Molecular consequence: missense variant.
Genome position (GRCh38, 1-based): chr1:10,324,789, G>A. VCF-style: chr1-10324789-G-A. GRCh37 (hg19) VCF-style: chr1-10384847-G-A.
Other names: c.2569G>A, p.Asp857Asn (NM_001365952.1); c.2431G>A, p.Asp811Asn (NM_015074.3); short protein forms D857N, D811N.
Identifiers: ClinVar variation 4826100 (VCV004826100.1).

ClinVar aggregate classification (germline): Uncertain significance (1 of 4 stars; one submission).

gnomAD v4.1: 1 of 1,614,088 alleles (0.000062%); highest among the groups gnomAD compares: South Asian, 0.0011%; no homozygotes.

Submission:

Ambry Genetics
Classification: Uncertain significance. Last evaluated: 2026-03-14. Review status: criteria provided, single submitter. Criteria: Ambry Variant Classification Scheme 2023. Collection method: clinical testing. Allele origin: germline.
Comment: The p.D811N variant (also known as c.2431G>A), located in coding exon 23 of the KIF1B gene, results from a G to A substitution at nucleotide position 2431. The aspartic acid at codon 811 is replaced by asparagine, an amino acid with highly similar properties. This amino acid position is conserved. In addition, this alteration is predicted to be tolerated by in silico analysis. Based on the available evidence, the clinical significance of this variant remains unclear.